The following is an entry in ClinVar:

ClinVar aggregate classification (germline): Uncertain significance (1 of 4 stars; one submission).

Conditions:
Duchenne muscular dystrophy (DMD). Also called: MUSCULAR DYSTROPHY, PSEUDOHYPERTROPHIC PROGRESSIVE, DUCHENNE TYPE; Duchenne Muscular Dystrophy (DMD). Identifiers: Orphanet 98896, MedGen C0013264, MONDO:0010679, OMIM 310200.

Allele frequency attached by ClinVar (database versions not stated): gnomAD exomes below 0.00001.

Submission:

Labcorp Genetics (formerly Invitae), Labcorp
Classification: Uncertain significance for Duchenne muscular dystrophy. Last evaluated: 2026-01-27. Review status: criteria provided, single submitter. Criteria: Invitae Variant Classification Sherloc (09022015). Collection method: clinical testing. Allele origin: germline.
Comment: This sequence change replaces methionine, which is neutral and non-polar, with valine, which is neutral and non-polar, at codon 124 of the DMD protein (p.Met124Val). This variant is present in population databases (no rsID available, gnomAD 0.008%). This variant has not been reported in the literature in individuals affected with DMD-related conditions. ClinVar contains an entry for this variant (Variation ID: 2146607). Invitae Evidence Modeling of protein sequence and biophysical properties (such as structural, functional, and spatial information, amino acid conservation, physicochemical variation, residue mobility, and thermodynamic stability) indicates that this missense variant is not expected to disrupt DMD protein function with a negative predictive value of 95%. In summary, the available evidence is currently insufficient to determine the role of this variant in disease. Therefore, it has been classified as a Variant of Uncertain Significance.

NM_004006.3(DMD):c.370A>G (p.Met124Val)

Gene: DMD (dystrophin; minus strand). Cytogenetic location: Xp21.1.
Variant type: single nucleotide variant.
Coding change: c.370A>G on transcript NM_004006.3 (MANE Select); coding-DNA position 370, A replaced by G.
Protein change: p.Met124Val; replaces methionine 124 with valine.
Molecular consequence: missense variant. On other transcripts: initiator codon variant (1).
Genome position (GRCh38, 1-based): chrX:32,816,628, T>C on the plus strand (A>G on the coding strand, the complement: DMD is on the minus strand). VCF-style: chrX-32816628-T-C. GRCh37 (hg19) VCF-style: chrX-32834745-T-C.
Other names: c.346A>G, p.Met116Val (NM_000109.4); c.358A>G, p.Met120Val (NM_004009.3); c.1A>G, p.Met1Val (NM_004010.3); short protein forms M116V, M120V, M124V, M1V.
Identifiers: ClinVar variation 2146607 (VCV002146607.3), dbSNP rs1188705437, ClinGen allele CA412674367.
Genomic context (GRCh38, chrX:32,816,628, plus strand): 5'-CCCAGCTCAGGAGAATCTTTTCACTGTTGGTTTGTTGCAATCCAGCCATGATATTTTTCA[T>C]TACATTTTTGACCTACATGTGGAAATAAATTTTCATAAGAAAATGCATTCCTTGAGCAAG-3'
Protein context (NP_003997.2, residues 114-134): IILHWQVKNV[Met124Val]KNIMAGLQQT